The following is an entry in ClinVar:

ClinVar aggregate classification (germline): Uncertain significance (1 of 4 stars; one submission).

Conditions:
Hypertrophic cardiomyopathy. Also called: HYPERTROPHIC MYOCARDIOPATHY. Identifiers: Orphanet 217569, MedGen C0007194, MeSH D002312, MONDO:0005045, HP:0001639.

Allele frequency attached by ClinVar (database versions not stated): gnomAD exomes below 0.00001.
gnomAD v4.1: 1 of 1,613,896 alleles (0.000062%); highest among the groups gnomAD compares: Non-Finnish European, 0.000085%; no homozygotes.

Submission:

Labcorp Genetics (formerly Invitae), Labcorp
Classification: Uncertain significance for Hypertrophic cardiomyopathy. Last evaluated: 2022-09-30. Review status: criteria provided, single submitter. Criteria: Invitae Variant Classification Sherloc (09022015). Collection method: clinical testing. Allele origin: germline.
Comment: This variant has been observed in individual(s) with sudden death with dilated cardiomyopathy (PMID: 27000522). Variants that disrupt the consensus splice site are a relatively common cause of aberrant splicing (PMID: 17576681, 9536098). Algorithms developed to predict the effect of sequence changes on RNA splicing suggest that this variant may disrupt the consensus splice site. In summary, the available evidence is currently insufficient to determine the role of this variant in disease. Therefore, it has been classified as a Variant of Uncertain Significance. This variant is not present in population databases (gnomAD no frequency). This sequence change affects codon 1242 of the MYH7 mRNA. It is a 'silent' change, meaning that it does not change the encoded amino acid sequence of the MYH7 protein. This variant also falls at the last nucleotide of exon 27, which is part of the consensus splice site for this exon.

Literature cited by the submitters: PubMed 27000522; PubMed 17576681; PubMed 9536098.

NM_000257.4(MYH7):c.3726G>A (p.Lys1242=)

Gene: MYH7 (myosin heavy chain 7; minus strand). Cytogenetic location: 14q11.2.
Variant type: single nucleotide variant.
Coding change: c.3726G>A on transcript NM_000257.4 (MANE Select); coding-DNA position 3726, G replaced by A.
Protein change: p.Lys1242=; no amino-acid change (lysine 1242 retained).
Molecular consequence: synonymous variant.
Genome position (GRCh38, 1-based): chr14:23,419,845, C>T on the plus strand (G>A on the coding strand, the complement: MYH7 is on the minus strand). VCF-style: chr14-23419845-C-T. GRCh37 (hg19) VCF-style: chr14-23889054-C-T.
Other names: c.3726G>A, p.Lys1242= (NM_001407004.1).
Identifiers: ClinVar variation 2137556 (VCV002137556.4), dbSNP rs1174937965, ClinGen allele CA485766621.
Genomic context (GRCh38, chr14:23,419,845, plus strand): 5'-TGGACAGAAAGGGGAGGTGGGAGGAGGAAGTTGGAGGAGGGGAGGCCGAGCAGAGCCTGC[C>T]TTGGCCTTGATGATCTGCTCCATGTTGGAGGTGACGTCATCCAGCTCCAGCTTGAACTCG-3'
Protein context (NP_000248.2, residues 1232-1252): TSNMEQIIKA[Lys1242=]ANLEKMCRTL